The following is an entry in ClinVar:

ClinVar aggregate classification (germline): Conflicting classifications of pathogenicity. Review status: criteria provided, conflicting classifications (1 of 4 stars). 3 submissions from 3 submitters: Uncertain significance (2); Likely benign (1). Last evaluated 2023-03-01.

Conditions:
Hereditary cancer-predisposing syndrome. Also called: Tumor predisposition; Hereditary Cancer Syndrome; Neoplastic Syndromes, Hereditary; Hereditary neoplastic syndrome. Identifiers: Orphanet 140162, MedGen C0027672, MeSH D009386, MONDO:0015356.
Familial melanoma. Also called: Hereditary melanoma; Hereditary cutaneous melanoma. Identifiers: Orphanet 618, MedGen C1512419, MONDO:0018961.

gnomAD v4.1: 3 of 1,605,726 alleles (0.00019%); highest among the groups gnomAD compares: South Asian, 0.0033%; no homozygotes.

Submissions (3):

Labcorp Genetics (formerly Invitae), Labcorp
Classification: Uncertain significance for Familial melanoma. Last evaluated: 2023-03-01. Review status: criteria provided, single submitter. Criteria: Invitae Variant Classification Sherloc (09022015). Collection method: clinical testing. Allele origin: germline.
Comment: Experimental studies have shown that this missense change does not substantially affect CDKN2A (p16INK4a) function (PMID: 9053859, 12606942, 21462282). In summary, the available evidence is currently insufficient to determine the role of this variant in disease. Therefore, it has been classified as a Variant of Uncertain Significance. An algorithm developed to predict the effect of missense changes on protein structure and function (PolyPhen-2) suggests that this variant is likely to be tolerated. ClinVar contains an entry for this variant (Variation ID: 483352). This variant is also known as c.362C>T (p.Ala121Val) in the CDKN2A (p14ARF) transcript. This missense change has been observed in individual(s) with melanoma (PMID: 8710906). This variant is not present in population databases (gnomAD no frequency). This sequence change replaces arginine, which is basic and polar, with cysteine, which is neutral and slightly polar, at codon 107 of the CDKN2A (p16INK4a) protein (p.Arg107Cys). The CDKN2A gene encodes two different proteins, p16INK4a and p14ARF, which are translated from alternative transcripts with different open reading frames. Both transcripts have been analyzed. We report either the variant with the higher classification or default to the CDKN2A (p16INK4a) variant. This report therefore includes the details for the CDKN2A (p16INK4a) variant.

Ambry Genetics
Classification: Likely benign for Hereditary cancer-predisposing syndrome. Last evaluated: 2021-08-31. Review status: criteria provided, single submitter. Criteria: Ambry Variant Classification Scheme 2023. Collection method: clinical testing. Allele origin: germline.

Color Diagnostics, LLC DBA Color Health
Classification: Uncertain significance for Hereditary cancer-predisposing syndrome. Last evaluated: 2018-11-20. Review status: criteria provided, single submitter. Criteria: ACMG Guidelines, 2015. Collection method: clinical testing. Allele origin: germline.

Literature cited by the submitters: PubMed 9053859 (cited by Labcorp Genetics (formerly Invitae), Labcorp and Ambry Genetics); PubMed 12606942 (cited by Labcorp Genetics (formerly Invitae), Labcorp); PubMed 21462282 (cited by Labcorp Genetics (formerly Invitae), Labcorp and Ambry Genetics); PubMed 8710906 (cited by Labcorp Genetics (formerly Invitae), Labcorp and Ambry Genetics).

NM_000077.5(CDKN2A):c.319C>T (p.Arg107Cys)

Gene: CDKN2A (cyclin dependent kinase inhibitor 2A; minus strand). Cytogenetic location: 9p21.3.
Variant type: single nucleotide variant.
Coding change: c.319C>T on transcript NM_000077.5; coding-DNA position 319, C replaced by T.
Protein change: p.Arg107Cys; replaces arginine 107 with cysteine.
Molecular consequence: missense variant (on NM_000077.6). On other transcripts: 3 prime UTR variant (1).
Genome position (GRCh38, 1-based): chr9:21,971,040, G>A on the plus strand (C>T on the coding strand, the complement: CDKN2A is on the minus strand). VCF-style: chr9-21971040-G-A. GRCh37 (hg19) VCF-style: chr9-21971039-G-A.
Other names: c.319C>T, p.Arg107Cys (NM_000077.6, NM_001195132.2); c.166C>T, p.Arg56Cys (NM_001363763.2); c.362C>T, p.Ala121Val (NM_058195.4); c.*242C>T (NM_058197.5); short protein forms A121V, R107C, R56C.
Identifiers: ClinVar variation 483352 (VCV000483352.17), dbSNP rs1554654024, ClinGen allele CA373086067.